The following is an entry in ClinVar:

ClinVar aggregate classification (germline): Uncertain significance. Review status: criteria provided, multiple submitters, no conflicts (2 of 4 stars). 2 submissions from 2 submitters: Uncertain significance (2). Last evaluated 2022-04-04.

Allele frequency attached by ClinVar (database versions not stated): gnomAD exomes below 0.00001; gnomAD 0.00001.
gnomAD v4.1: 3 of 1,612,118 alleles (0.00019%); highest among the groups gnomAD compares: Non-Finnish European, 0.00025%; no homozygotes.

Submissions (2):

Labcorp Genetics (formerly Invitae), Labcorp
Classification: Uncertain significance. Last evaluated: 2022-04-04. Review status: criteria provided, single submitter. Criteria: Invitae Variant Classification Sherloc (09022015). Collection method: clinical testing. Allele origin: germline.
Comment: In summary, the available evidence is currently insufficient to determine the role of this variant in disease. Therefore, it has been classified as a Variant of Uncertain Significance. Algorithms developed to predict the effect of missense changes on protein structure and function (SIFT, PolyPhen-2, Align-GVGD) all suggest that this variant is likely to be tolerated. This variant has not been reported in the literature in individuals affected with PPP2R1A-related conditions. This variant is not present in population databases (gnomAD no frequency). This sequence change replaces aspartic acid, which is acidic and polar, with valine, which is neutral and non-polar, at codon 239 of the PPP2R1A protein (p.Asp239Val).

Blueprint Genetics
Classification: Uncertain significance. Last evaluated: 2020-08-07. Review status: criteria provided, single submitter. Criteria: ACMG Guidelines, 2015. Collection method: clinical testing. Allele origin: germline.

NM_014225.6(PPP2R1A):c.716A>T (p.Asp239Val)

Gene: PPP2R1A (protein phosphatase 2 scaffold subunit Aalpha; plus strand). Cytogenetic location: 19q13.41.
Variant type: single nucleotide variant.
Coding change: c.716A>T on transcript NM_014225.6 (MANE Select); coding-DNA position 716, A replaced by T.
Protein change: p.Asp239Val; replaces aspartic acid 239 with valine.
Molecular consequence: missense variant. On other transcripts: non-coding transcript variant (1).
Genome position (GRCh38, 1-based): chr19:52,213,019, A>T. VCF-style: chr19-52213019-A-T. GRCh37 (hg19) VCF-style: chr19-52716272-A-T.
Other names: c.179A>T, p.Asp60Val (NM_001363656.2); short protein forms D239V, D60V.
Identifiers: ClinVar variation 2104168 (VCV002104168.5), dbSNP rs2089687182, ClinGen allele CA407184621.